The following is an entry in ClinVar:

ClinVar aggregate classification (germline): Likely benign. Review status: criteria provided, single submitter (1 of 4 stars). 2 submissions from 2 submitters: Likely benign (1). 1 of the submissions does not count toward it. Last evaluated 2018-05-02.

Conditions:
ATAD5-related disorder. Also called: ATAD5-related condition.

Allele frequency attached by ClinVar (database versions not stated): gnomAD exomes 0.00015 and 0.00057; 1000 Genomes Project 0.00080; TOPMed 0.00026; gnomAD 0.00021 and 0.00017; ExAC 0.00056; 1000 Genomes Project 30x 0.00094.
gnomAD v4.1: 298 of 1,595,548 alleles (0.019%); highest among the groups gnomAD compares: East Asian, 0.5%; 2 homozygotes.

Submissions (2):

Labcorp Genetics (formerly Invitae), Labcorp
Classification: Likely benign. Last evaluated: 2018-05-02. Review status: criteria provided, single submitter. Criteria: Invitae Variant Classification Sherloc (09022015). Collection method: clinical testing. Allele origin: germline.

PreventionGenetics, part of Exact Sciences
Classification: Benign for ATAD5-related condition. Last evaluated: 2019-10-28. Review status: no assertion criteria provided. Collection method: clinical testing. Allele origin: germline. Not counted in ClinVar's aggregate classification.
Comment: This variant is classified as benign based on ACMG/AMP sequence variant interpretation guidelines (Richards et al. 2015 PMID: 25741868, with internal and published modifications).

NM_024857.5(ATAD5):c.3736A>C (p.Lys1246Gln)

Gene: ATAD5 (ATPase family AAA domain containing 5; plus strand). Cytogenetic location: 17q11.2.
Variant type: single nucleotide variant.
Coding change: c.3736A>C on transcript NM_024857.5 (MANE Select); coding-DNA position 3736, A replaced by C.
Protein change: p.Lys1246Gln; replaces lysine 1246 with glutamine.
Molecular consequence: missense variant.
Genome position (GRCh38, 1-based): chr17:30,876,502, A>C. VCF-style: chr17-30876502-A-C. GRCh37 (hg19) VCF-style: chr17-29203520-A-C.
Other names: short protein forms K1246Q.
Identifiers: ClinVar variation 721036 (VCV000721036.5), dbSNP rs186800320, ClinGen allele CA8484138.
Genomic context (GRCh38, chr17:30,876,502, plus strand): 5'-AGTGGACCAAAGCGAGCACTTCCTCCCAAAACCTTGGCAAATTATTTTAAAGTATCTCCC[A>C]AACCTAAAAATAATGAAGAAATAGGAATGCTTCTGGAAAATAATAAAGGTAAGACATTAA-3'
Protein context (NP_079133.3, residues 1236-1256): TLANYFKVSP[Lys1246Gln]PKNNEEIGML